The following is an entry in ClinVar:

ClinVar aggregate classification (germline): Likely benign. Review status: criteria provided, single submitter (1 of 4 stars). 2 submissions from 2 submitters: Likely benign (1). 1 of the submissions does not count toward it. Last evaluated 2024-01-03.

Conditions:
Nemaline myopathy 2 (NEM2). Also called: Nemaline myopathy 2, autosomal recessive. Identifiers: MedGen C1850569, MONDO:0009725, OMIM 256030.
NEB-related disorder. Also called: NEB-Related Disorders; NEB-related condition.

Allele frequency attached by ClinVar (database versions not stated): gnomAD exomes below 0.00001 and 0.00002; TOPMed 0.00003; gnomAD 0.00005 and 0.00006; ESP Exome Variant Server 0.00008.
gnomAD v4.1: 30 of 1,609,554 alleles (0.0019%); highest among the groups gnomAD compares: African/African-American, 0.004%; no homozygotes.

Submissions (2):

Labcorp Genetics (formerly Invitae), Labcorp
Classification: Likely benign for Nemaline myopathy 2. Last evaluated: 2024-01-03. Review status: criteria provided, single submitter. Criteria: Invitae Variant Classification Sherloc (09022015). Collection method: clinical testing. Allele origin: germline.

PreventionGenetics, part of Exact Sciences
Classification: Likely benign for NEB-related condition. Last evaluated: 2019-04-24. Review status: no assertion criteria provided. Collection method: clinical testing. Allele origin: germline. Not counted in ClinVar's aggregate classification.
Comment: This variant is classified as likely benign based on ACMG/AMP sequence variant interpretation guidelines (Richards et al. 2015 PMID: 25741868, with internal and published modifications).

NM_001164508.2(NEB):c.507+9A>G

Gene: NEB (nebulin; minus strand). Cytogenetic location: 2q23.3.
Variant type: single nucleotide variant.
Coding change: c.507+9A>G on transcript NM_001164508.2 (MANE Select); 9 bases into the intron after coding-DNA position 507, A replaced by G.
Molecular consequence: intron variant.
Genome position (GRCh38, 1-based): chr2:151,724,848, T>C on the plus strand (A>G on the coding strand, the complement: NEB is on the minus strand). VCF-style: chr2-151724848-T-C. GRCh37 (hg19) VCF-style: chr2-152581362-T-C.
Other names: c.507+9A>G (NM_001271208.1, NM_004543.5, NM_001164507.2 and 1 more transcripts).
Identifiers: ClinVar variation 1158765 (VCV001158765.11), dbSNP rs372645309, ClinGen allele CA57651206.